The following is an entry in ClinVar:

ClinVar aggregate classification (germline): Uncertain significance (1 of 4 stars; one submission).

Conditions:
Progressive myoclonic epilepsy type 7. Identifiers: Orphanet 435438, MedGen C4015420, MONDO:0014521, OMIM 616187.

Allele frequency attached by ClinVar (database versions not stated): gnomAD exomes below 0.00001; gnomAD 0.00001; TOPMed 0.00001.
gnomAD v4.1: 2 of 1,613,410 alleles (0.00012%); highest among the groups gnomAD compares: African/African-American, 0.0027%; no homozygotes.

Submission:

Labcorp Genetics (formerly Invitae), Labcorp
Classification: Uncertain significance for Progressive myoclonic epilepsy type 7. Last evaluated: 2023-10-07. Review status: criteria provided, single submitter. Criteria: Invitae Variant Classification Sherloc (09022015). Collection method: clinical testing. Allele origin: germline.
Comment: This sequence change replaces aspartic acid, which is acidic and polar, with glutamic acid, which is acidic and polar, at codon 53 of the KCNC1 protein (p.Asp53Glu). This variant is present in population databases (no rsID available, gnomAD 0.01%). This variant has not been reported in the literature in individuals affected with KCNC1-related conditions. ClinVar contains an entry for this variant (Variation ID: 1354922). Advanced modeling of protein sequence and biophysical properties (such as structural, functional, and spatial information, amino acid conservation, physicochemical variation, residue mobility, and thermodynamic stability) performed at Invitae indicates that this missense variant is not expected to disrupt KCNC1 protein function. In summary, the available evidence is currently insufficient to determine the role of this variant in disease. Therefore, it has been classified as a Variant of Uncertain Significance.

NM_001112741.2(KCNC1):c.159C>A (p.Asp53Glu)

Gene: KCNC1 (potassium voltage-gated channel subfamily C member 1; plus strand). Cytogenetic location: 11p15.1.
Variant type: single nucleotide variant.
Coding change: c.159C>A on transcript NM_001112741.2 (MANE Select); coding-DNA position 159, C replaced by A.
Protein change: p.Asp53Glu; replaces aspartic acid 53 with glutamic acid.
Molecular consequence: missense variant.
Genome position (GRCh38, 1-based): chr11:17,736,161, C>A. VCF-style: chr11-17736161-C-A. GRCh37 (hg19) VCF-style: chr11-17757708-C-A.
Other names: c.159C>A, p.Asp53Glu (NM_004976.4); short protein forms D53E.
Identifiers: ClinVar variation 1354922 (VCV001354922.8), dbSNP rs1393327105, ClinGen allele CA379799319.